The following is an entry in ClinVar:

NM_002691.4(POLD1):c.407C>T (p.Ser136Phe)

Gene: POLD1 (DNA polymerase delta 1, catalytic subunit; plus strand). Cytogenetic location: 19q13.33.
Variant type: single nucleotide variant.
Coding change: c.407C>T on transcript NM_002691.4 (MANE Select); coding-DNA position 407, C replaced by T.
Protein change: p.Ser136Phe; replaces serine 136 with phenylalanine.
Molecular consequence: missense variant. On other transcripts: non-coding transcript variant (1).
Genome position (GRCh38, 1-based): chr19:50,401,868, C>T. VCF-style: chr19-50401868-C-T. GRCh37 (hg19) VCF-style: chr19-50905125-C-T.
Other names: c.407C>T, p.Ser136Phe (NM_001256849.1, NM_001308632.1); c.407C>T (NM_002691.3); short protein forms S136F.
Identifiers: ClinVar variation 1350671 (VCV001350671.9), dbSNP rs2122233853, ClinGen allele CA406972507.
Genomic context (GRCh38, chr19:50,401,868, plus strand): 5'-CACCATCCCGCGGCTCCGTGCCTGTGCTCCGCGCCTTCGGGGTCACCGATGAGGGGTTCT[C>T]TGTCTGCTGCCACATCCACGGCTTCGCTCCCTACTTCTACACCCCAGCGCCCCCTGGTGA-3'
Protein context (NP_002682.2, residues 126-146): RAFGVTDEGF[Ser136Phe]VCCHIHGFAP

ClinVar aggregate classification (germline): Uncertain significance. Review status: criteria provided, multiple submitters, no conflicts (2 of 4 stars). 2 submissions from 2 submitters: Uncertain significance (2). Last evaluated 2024-02-12.

Conditions:
POLD1-related polyposis and colorectal cancer syndrome (CRCS10). Also called: Colorectal cancer, susceptibility to, 10; Colorectal cancer 10; COLORECTAL CANCER, SUSCEPTIBILITY TO, ON CHROMOSOME 19q. Identifiers: Orphanet 220460, MedGen C2675481, MONDO:0012953, OMIM 612591.

gnomAD v4.1: 1 of 1,614,058 alleles (0.000062%); highest among the groups gnomAD compares: South Asian, 0.0011%; no homozygotes.

Submissions (2):

Molecular Pathology, Peter Maccallum Cancer Centre
Classification: Uncertain significance for POLD1-related polyposis and colorectal cancer syndrome. Last evaluated: 2024-02-12. Review status: criteria provided, single submitter. Criteria: ACMG Guidelines, 2015. Collection method: clinical testing. Allele origin: germline. Inheritance: Autosomal dominant inheritance.

Labcorp Genetics (formerly Invitae), Labcorp
Classification: Uncertain significance for POLD1-related polyposis and colorectal cancer syndrome. Last evaluated: 2021-05-25. Review status: criteria provided, single submitter. Criteria: Invitae Variant Classification Sherloc (09022015). Collection method: clinical testing. Allele origin: germline.
Comment: In summary, the available evidence is currently insufficient to determine the role of this variant in disease. Therefore, it has been classified as a Variant of Uncertain Significance. Algorithms developed to predict the effect of missense changes on protein structure and function are either unavailable or do not agree on the potential impact of this missense change (SIFT: "Deleterious"; PolyPhen-2: "Probably Damaging"; Align-GVGD: "Class C15"). This variant has not been reported in the literature in individuals with POLD1-related conditions. This variant is not present in population databases (ExAC no frequency). This sequence change replaces serine with phenylalanine at codon 136 of the POLD1 protein (p.Ser136Phe). The serine residue is highly conserved and there is a large physicochemical difference between serine and phenylalanine.